The following is an entry in ClinVar:

NM_000944.5(PPP3CA):c.34_36del (p.Ser12del)

Gene: PPP3CA (protein phosphatase 3 catalytic subunit alpha; minus strand). Cytogenetic location: 4q24.
Variant type: Deletion.
Coding change: c.34_36del on transcript NM_000944.5 (MANE Select); coding-DNA positions 34 to 36, 3 bases deleted (TCG; older notation c.34_36delTCG).
Protein change: p.Ser12del; deletes serine 12.
Molecular consequence: inframe deletion.
Genome position (GRCh38, 1-based): chr4:101,346,761-101,346,763, CGA deleted on the plus strand (TCG on the coding strand, the reverse complement: PPP3CA is on the minus strand); deleting any 3 consecutive bases within chr4:101,346,761-101,346,764 gives the same sequence; the c. name uses the placement nearest the transcript's 3' end. VCF-style (leftmost placement, unchanged base first): chr4-101346760-TCGA-T. GRCh37 (hg19) VCF-style: chr4-102267917-TCGA-T.
Other names: c.34_36del, p.Ser12del (NM_001130691.2, NM_001130692.2); short protein forms S12del.
Identifiers: ClinVar variation 2832518 (VCV002832518.3), dbSNP rs1560730730, ClinGen allele CA553696187.

ClinVar aggregate classification (germline): Uncertain significance (1 of 4 stars; one submission).

Submission:

Labcorp Genetics (formerly Invitae), Labcorp
Classification: Uncertain significance. Last evaluated: 2023-01-28. Review status: criteria provided, single submitter. Criteria: Invitae Variant Classification Sherloc (09022015). Collection method: clinical testing. Allele origin: germline.
Comment: In summary, the available evidence is currently insufficient to determine the role of this variant in disease. Therefore, it has been classified as a Variant of Uncertain Significance. This variant, c.34_36del, results in the deletion of 1 amino acid(s) of the PPP3CA protein (p.Ser12del), but otherwise preserves the integrity of the reading frame. This variant is present in population databases (no rsID available, gnomAD 0.003%). This variant has not been reported in the literature in individuals affected with PPP3CA-related conditions. Experimental studies and prediction algorithms are not available or were not evaluated, and the functional significance of this variant is currently unknown.